The following is an entry in ClinVar:

NM_015102.5(NPHP4):c.239A>G (p.Lys80Arg)

Gene: NPHP4 (nephrocystin 4; minus strand). Cytogenetic location: 1p36.31.
Variant type: single nucleotide variant.
Coding change: c.239A>G on transcript NM_015102.5 (MANE Select); coding-DNA position 239, A replaced by G.
Protein change: p.Lys80Arg; replaces lysine 80 with arginine.
Molecular consequence: missense variant. On other transcripts: 5 prime UTR variant (1), non-coding transcript variant (1), intron variant (1).
Genome position (GRCh38, 1-based): chr1:5,978,310, T>C on the plus strand (A>G on the coding strand, the complement: NPHP4 is on the minus strand). VCF-style: chr1-5978310-T-C. GRCh37 (hg19) VCF-style: chr1-6038370-T-C.
Other names: p.Lys80Arg; c.-991A>G (NM_001291593.2); c.-1087-9051A>G (NM_001291594.2); short protein forms K80R.
Identifiers: ClinVar variation 2683691 (VCV002683691.1), dbSNP rs2523982047, ClinGen allele CA338052971.

ClinVar aggregate classification (germline): Uncertain significance (1 of 4 stars; one submission).

Allele frequency attached by ClinVar (database versions not stated): gnomAD exomes below 0.00001.
gnomAD v4.1: 1 of 1,609,414 alleles (0.000062%); no homozygotes.

Submission:

Mayo Clinic Laboratories, Mayo Clinic
Classification: Uncertain significance. Last evaluated: 2023-03-08. Review status: criteria provided, single submitter. Criteria: ACMG Guidelines, 2015. Collection method: clinical testing. Allele origin: germline. Observed: 1 variant allele.
Comment: BP4, PM2